The following is an entry in ClinVar:

NM_002519.3(NPAT):c.2308A>G (p.Thr770Ala)

Gene: NPAT (nuclear protein, coactivator of histone transcription; minus strand). Cytogenetic location: 11q22.3.
Variant type: single nucleotide variant.
Coding change: c.2308A>G on transcript NM_002519.3 (MANE Select); coding-DNA position 2308, A replaced by G.
Protein change: p.Thr770Ala; replaces threonine 770 with alanine.
Molecular consequence: missense variant.
Genome position (GRCh38, 1-based): chr11:108,172,676, T>C on the plus strand (A>G on the coding strand, the complement: NPAT is on the minus strand). VCF-style: chr11-108172676-T-C. GRCh37 (hg19) VCF-style: chr11-108043403-T-C.
Other names: c.2308A>G, p.Thr770Ala (NM_001321307.1); short protein forms T770A.
Identifiers: ClinVar variation 2447472 (VCV002447472.2), dbSNP rs2496717757, ClinGen allele CA382513251.

ClinVar aggregate classification (germline): Uncertain significance (1 of 4 stars; one submission).

Allele frequency attached by ClinVar (database versions not stated): gnomAD exomes below 0.00001.
gnomAD v4.1: 1 of 1,614,006 alleles (0.000062%); highest among the groups gnomAD compares: South Asian, 0.0011%; no homozygotes.

Submission:

Ambry Genetics
Classification: Uncertain significance. Last evaluated: 2023-01-15. Review status: criteria provided, single submitter. Criteria: Ambry Variant Classification Scheme 2023. Collection method: clinical testing. Allele origin: germline.
Comment: The p.T770A variant (also known as c.2308A>G), located in coding exon 13 of the NPAT gene, results from an A to G substitution at nucleotide position 2308. The threonine at codon 770 is replaced by alanine, an amino acid with similar properties. This amino acid position is conserved. In addition, this alteration is predicted to be tolerated by in silico analysis. Since supporting evidence is limited at this time, the clinical significance of this alteration remains unclear.